The following is an entry in ClinVar:

ClinVar aggregate classification (germline): Uncertain significance (1 of 4 stars; one submission).

Allele frequency attached by ClinVar (database versions not stated): ExAC 0.00001.
gnomAD v4.1: 4 of 1,614,168 alleles (0.00025%); highest among the groups gnomAD compares: South Asian, 0.0011%; no homozygotes.

Submission:

Labcorp Genetics (formerly Invitae), Labcorp
Classification: Uncertain significance. Last evaluated: 2022-06-13. Review status: criteria provided, single submitter. Criteria: Invitae Variant Classification Sherloc (09022015). Collection method: clinical testing. Allele origin: germline.
Comment: In summary, the available evidence is currently insufficient to determine the role of this variant in disease. Therefore, it has been classified as a Variant of Uncertain Significance. Algorithms developed to predict the effect of missense changes on protein structure and function are either unavailable or do not agree on the potential impact of this missense change (SIFT: "Deleterious"; PolyPhen-2: "Probably Damaging"; Align-GVGD: "Class C0"). This variant has not been reported in the literature in individuals affected with GALNT12-related conditions. This variant is present in population databases (rs765486750, gnomAD 0.0009%). This sequence change replaces alanine, which is neutral and non-polar, with proline, which is neutral and non-polar, at codon 376 of the GALNT12 protein (p.Ala376Pro).

NM_024642.5(GALNT12):c.1126G>C (p.Ala376Pro)

Gene: GALNT12 (polypeptide N-acetylgalactosaminyltransferase 12; plus strand). Cytogenetic location: 9q22.33.
Variant type: single nucleotide variant.
Coding change: c.1126G>C on transcript NM_024642.5 (MANE Select); coding-DNA position 1126, G replaced by C.
Protein change: p.Ala376Pro; replaces alanine 376 with proline.
Molecular consequence: missense variant.
Genome position (GRCh38, 1-based): chr9:98,837,062, G>C. VCF-style: chr9-98837062-G-C. GRCh37 (hg19) VCF-style: chr9-101599344-G-C.
Other names: short protein forms A376P.
Identifiers: ClinVar variation 2178703 (VCV002178703.4), dbSNP rs765486750, ClinGen allele CA5154174.